The following is an entry in ClinVar:

NM_001256012.3(MYH10):c.2098C>T (p.Arg700Ter)

Gene: MYH10 (myosin heavy chain 10; minus strand). Cytogenetic location: 17p13.1.
Variant type: single nucleotide variant.
Coding change: c.2098C>T on transcript NM_001256012.3 (MANE Select); coding-DNA position 2098, C replaced by T.
Protein change: p.Arg700Ter; replaces arginine 700 with a stop codon.
Molecular consequence: nonsense.
Genome position (GRCh38, 1-based): chr17:8,521,145, G>A on the plus strand (C>T on the coding strand, the complement: MYH10 is on the minus strand). VCF-style: chr17-8521145-G-A. GRCh37 (hg19) VCF-style: chr17-8424463-G-A.
Other names: c.2032C>T, p.Arg678Ter (NM_001256095.2); c.2035C>T, p.Arg679Ter (NM_001375266.1); c.2005C>T, p.Arg669Ter (NM_005964.5); short protein forms R669*, R678*, R679*, R700*.
Identifiers: ClinVar variation 4891168 (VCV004891168.1).

ClinVar aggregate classification (germline): Likely pathogenic (1 of 4 stars; one submission).

Conditions:
MYH10-related disorder. Also called: MYH10-related condition.

Submission:

Greenwood Genetic Center Diagnostic Laboratories, Greenwood Genetic Center
Classification: Likely pathogenic for MYH10-related disorder. Last evaluated: 2026-06-22. Review status: criteria provided, single submitter. Criteria: ACMG Guidelines, 2015. Collection method: clinical testing. Allele origin: germline. Affected: yes.
Comment: PVS1, PM2